The following is an entry in ClinVar:

NM_020631.6(PLEKHG5):c.823G>A (p.Gly275Ser)

Gene: PLEKHG5 (pleckstrin homology and RhoGEF domain containing G5; minus strand). Cytogenetic location: 1p36.31.
Variant type: single nucleotide variant.
Coding change: c.823G>A on transcript NM_020631.6 (MANE Select); coding-DNA position 823, G replaced by A.
Protein change: p.Gly275Ser; replaces glycine 275 with serine.
Molecular consequence: missense variant.
Genome position (GRCh38, 1-based): chr1:6,473,147, C>T on the plus strand (G>A on the coding strand, the complement: PLEKHG5 is on the minus strand). VCF-style: chr1-6473147-C-T. GRCh37 (hg19) VCF-style: chr1-6533207-C-T.
Other names: c.934G>A, p.Gly312Ser (NM_001042663.3, NM_001265592.2); c.823G>A, p.Gly275Ser (NM_001042664.2, NM_001042665.2, NM_001265594.3 and 1 more transcripts); c.1030G>A, p.Gly344Ser (NM_001265593.2); short protein forms G275S, G344S, G312S.
Identifiers: ClinVar variation 571053 (VCV000571053.10), dbSNP rs201267486, ClinGen allele CA561738.

ClinVar aggregate classification (germline): Uncertain significance. Review status: criteria provided, multiple submitters, no conflicts (2 of 4 stars). 4 submissions from 4 submitters: Uncertain significance (4). Last evaluated 2025-04-16.

Conditions:
PLEKHG5-related disorder. Also called: PLEKHG5-related condition.
Charcot-Marie-Tooth disease recessive intermediate C. Also called: CHARCOT-MARIE-TOOTH NEUROPATHY, RECESSIVE INTERMEDIATE C. Identifiers: Orphanet 369867, MedGen C3809309, MONDO:0014154, OMIM 615376.
Neuronopathy, distal hereditary motor, autosomal recessive 4. Also called: NEUROPATHY, DISTAL HEREDITARY MOTOR, AUTOSOMAL RECESSIVE 4; Autosomal recessive lower motor neuron disease with childhood onset. Identifiers: Orphanet 206580, MedGen C1970211, MONDO:0012608, OMIM 611067.
Inborn genetic diseases. Identifiers: MedGen C0950123, MeSH D030342.

Allele frequency attached by ClinVar (database versions not stated): gnomAD exomes 0.00002 and 0.00006; ExAC 0.00003; TOPMed 0.00003; gnomAD 0.00004.
gnomAD v4.1: 84 of 1,613,766 alleles (0.0052%); highest among the groups gnomAD compares: Non-Finnish European, 0.0071%; no homozygotes.

Submissions (4):

PreventionGenetics, part of Exact Sciences
Classification: Uncertain significance for PLEKHG5-related condition. Last evaluated: 2025-04-16. Review status: criteria provided, single submitter. Criteria: ACMG Guidelines, 2015. Collection method: clinical testing. Allele origin: germline.
Comment: The PLEKHG5 c.823G>A variant is predicted to result in the amino acid substitution p.Gly275Ser. To our knowledge, this variant has not been reported in the literature. This variant is reported in 0.0047% of alleles in individuals of European (Non-Finnish) descent in gnomAD. At this time, the clinical significance of this variant is uncertain due to the absence of conclusive functional and genetic evidence.

Ambry Genetics
Classification: Uncertain significance for Inborn genetic diseases. Last evaluated: 2023-09-26. Review status: criteria provided, single submitter. Criteria: Ambry Variant Classification Scheme 2023. Collection method: clinical testing. Allele origin: germline.

Department of Pathology and Laboratory Medicine, Sinai Health System
Classification: Uncertain significance for Neuronopathy, distal hereditary motor, autosomal recessive 4; Charcot-Marie-Tooth disease recessive intermediate C. Last evaluated: 2022-09-19. Review status: criteria provided, single submitter. Criteria: ACMG Guidelines, 2015. Collection method: research. Allele origin: germline.

Labcorp Genetics (formerly Invitae), Labcorp
Classification: Uncertain significance for Neuronopathy, distal hereditary motor, autosomal recessive 4; Charcot-Marie-Tooth disease recessive intermediate C. Last evaluated: 2022-07-29. Review status: criteria provided, single submitter. Criteria: Invitae Variant Classification Sherloc (09022015). Collection method: clinical testing. Allele origin: germline.
Comment: This sequence change replaces glycine, which is neutral and non-polar, with serine, which is neutral and polar, at codon 275 of the PLEKHG5 protein (p.Gly275Ser). This variant is present in population databases (rs201267486, gnomAD 0.004%). This variant has not been reported in the literature in individuals affected with PLEKHG5-related conditions. ClinVar contains an entry for this variant (Variation ID: 571053). Algorithms developed to predict the effect of missense changes on protein structure and function output the following: SIFT: "Tolerated"; PolyPhen-2: "Benign"; Align-GVGD: "Class C0". The serine amino acid residue is found in multiple mammalian species, which suggests that this missense change does not adversely affect protein function. In summary, the available evidence is currently insufficient to determine the role of this variant in disease. Therefore, it has been classified as a Variant of Uncertain Significance.